The following is an entry in ClinVar:

ClinVar aggregate classification (germline): Likely benign (1 of 4 stars; one submission).

Allele frequency attached by ClinVar (database versions not stated): gnomAD exomes below 0.00001.
gnomAD v4.1: 1 of 1,508,568 alleles (0.000066%); highest among the groups gnomAD compares: Non-Finnish European, 0.000088%; no homozygotes.

Submission:

GeneDx
Classification: Likely benign. Last evaluated: 2018-01-22. Review status: criteria provided, single submitter. Criteria: GeneDx Variant Classification (06012015). Collection method: clinical testing. Allele origin: germline. Affected: yes.
Comment: This variant is considered likely benign or benign based on one or more of the following criteria: it is a conservative change, it occurs at a poorly conserved position in the protein, it is predicted to be benign by multiple in silico algorithms, and/or has population frequency not consistent with disease.

NM_003119.4(SPG7):c.57T>C (p.Pro19=)

Genes: SPG7 (SPG7 matrix AAA peptidase subunit, paraplegin; plus strand), LOC130059818 (ATAC-STARR-seq lymphoblastoid silent region 7911; plus strand). Cytogenetic location: 16q24.3.
Variant type: single nucleotide variant.
Coding change: c.57T>C on transcript NM_003119.4 (MANE Select); coding-DNA position 57, T replaced by C.
Protein change: p.Pro19=; no amino-acid change (proline 19 retained).
Molecular consequence: synonymous variant.
Genome position (GRCh38, 1-based): chr16:89,508,474, T>C. VCF-style: chr16-89508474-T-C. GRCh37 (hg19) VCF-style: chr16-89574882-T-C.
Other names: c.57T>C, p.Pro19= (NM_001363850.1, NM_199367.3).
Identifiers: ClinVar variation 514613 (VCV000514613.1), dbSNP rs1555608404, ClinGen allele CA497174894.